The following is an entry in ClinVar:

NM_003587.5(DHX16):c.2033A>G (p.Glu678Gly)

Gene: DHX16 (DEAH-box helicase 16; minus strand). Cytogenetic location: 6p21.33.
Variant type: single nucleotide variant.
Coding change: c.2033A>G on transcript NM_003587.5 (MANE Select); coding-DNA position 2033, A replaced by G.
Protein change: p.Glu678Gly; replaces glutamic acid 678 with glycine.
Molecular consequence: missense variant.
Genome position (GRCh38, 1-based): chr6:30,657,067, T>C on the plus strand (A>G on the coding strand, the complement: DHX16 is on the minus strand). VCF-style: chr6-30657067-T-C. GRCh37 (hg19) VCF-style: chr6-30624844-T-C.
Other names: c.1853A>G, p.Glu618Gly (NM_001164239.2); c.590A>G, p.Glu197Gly (NM_001363515.2); short protein forms E197G, E618G, E678G.
Identifiers: ClinVar variation 2445996 (VCV002445996.1), dbSNP rs2534379898, ClinGen allele CA363103563.

ClinVar aggregate classification (germline): Likely pathogenic (1 of 4 stars; one submission).

Conditions:
Neuromuscular disease and ocular or auditory anomalies with or without seizures. Also called: NEUROMUSCULAR OCULOAUDITORY SYNDROME. Identifiers: MedGen C5231483, MONDO:0032890, OMIM 618733.

Submission:

Center for Genomics, Ann and Robert H. Lurie Children's Hospital of Chicago
Classification: Likely pathogenic for Neuromuscular disease and ocular or auditory anomalies with or without seizures. Last evaluated: 2022-12-07. Review status: criteria provided, single submitter. Criteria: ACMG Guidelines, 2015. Collection method: clinical testing. Allele origin: de novo. Inheritance: Autosomal dominant inheritance. Affected: yes.
Comment: This variant has not been reported in the literature and is not present in gnomAD. Evolutionary conservation and computational predictive tools strongly suggest that this variant impacts the encoded protein. In summary, data on this variant is highly suspicious for disease but requires further evidence for pathogenicity. Therefore, this variant is classified as likely pathogenic.